The following is an entry in ClinVar:

ClinVar aggregate classification (germline): Uncertain significance (1 of 4 stars; one submission).

Conditions:
Kabuki syndrome. Also called: NIIKAWA-KUROKI SYNDROME; Kabuki make-up syndrome. Identifiers: Orphanet 2322, MedGen C0796004, MONDO:0016512.

Submission:

Labcorp Genetics (formerly Invitae), Labcorp
Classification: Uncertain significance for Kabuki syndrome. Last evaluated: 2024-07-30. Review status: criteria provided, single submitter. Criteria: Invitae Variant Classification Sherloc (09022015). Collection method: clinical testing. Allele origin: germline.
Comment: This sequence change replaces proline, which is neutral and non-polar, with serine, which is neutral and polar, at codon 2454 of the KMT2D protein (p.Pro2454Ser). This variant is not present in population databases (gnomAD no frequency). This variant has not been reported in the literature in individuals affected with KMT2D-related conditions. Advanced modeling of protein sequence and biophysical properties (such as structural, functional, and spatial information, amino acid conservation, physicochemical variation, residue mobility, and thermodynamic stability) performed at Invitae indicates that this missense variant is not expected to disrupt KMT2D protein function with a negative predictive value of 95%. In summary, the available evidence is currently insufficient to determine the role of this variant in disease. Therefore, it has been classified as a Variant of Uncertain Significance.

NM_003482.4(KMT2D):c.7360C>T (p.Pro2454Ser)

Gene: KMT2D (lysine methyltransferase 2D; minus strand). Cytogenetic location: 12q13.12.
Variant type: single nucleotide variant.
Coding change: c.7360C>T on transcript NM_003482.4 (MANE Select); coding-DNA position 7360, C replaced by T.
Protein change: p.Pro2454Ser; replaces proline 2454 with serine.
Molecular consequence: missense variant.
Genome position (GRCh38, 1-based): chr12:49,040,410, G>A on the plus strand (C>T on the coding strand, the complement: KMT2D is on the minus strand). VCF-style: chr12-49040410-G-A. GRCh37 (hg19) VCF-style: chr12-49434193-G-A.
Other names: short protein forms P2454S.
Identifiers: ClinVar variation 3609048 (VCV003609048.2).
Genomic context (GRCh38, chr12:49,040,410, plus strand): 5'-GCTGGGGTCGGGGTGGCTTATGCAATGGGGCAAATGGGTCACGGGACTGAGGGCGTGAGG[G>A]TGGGCGAGAATAAGGGTCAGGGGACTGGAAGCGAGGGGTAACGGGTGATGGGCAAAAAGC-3'
Protein context (NP_003473.3, residues 2444-2464): FQSPDPYSRP[Pro2454Ser]SRPQSRDPFA